The following is an entry in ClinVar:

NM_000093.5(COL5A1):c.2986C>A (p.Pro996Thr)

Gene: COL5A1 (collagen type V alpha 1 chain; plus strand). Cytogenetic location: 9q34.3.
Variant type: single nucleotide variant.
Coding change: c.2986C>A on transcript NM_000093.5 (MANE Select); coding-DNA position 2986, C replaced by A.
Protein change: p.Pro996Thr; replaces proline 996 with threonine.
Molecular consequence: missense variant.
Genome position (GRCh38, 1-based): chr9:134,801,987, C>A. VCF-style: chr9-134801987-C-A. GRCh37 (hg19) VCF-style: chr9-137693833-C-A.
Other names: c.2986C>A, p.Pro996Thr (NM_001278074.1); c.2986C>A (NM_000093.3); short protein forms P996T.
Identifiers: ClinVar variation 2904509 (VCV002904509.4), dbSNP rs774351619, ClinGen allele CA5319709.

ClinVar aggregate classification (germline): Conflicting classifications of pathogenicity. Review status: criteria provided, conflicting classifications (1 of 4 stars). 2 submissions from 2 submitters: Uncertain significance (1); Likely benign (1). Last evaluated 2025-05-22.

Conditions:
Ehlers-Danlos syndrome, classic type, 1 (EDSCL1). Also called: EDS I; EHLERS-DANLOS SYNDROME, GRAVIS TYPE; EHLERS-DANLOS SYNDROME, SEVERE CLASSIC TYPE; Ehlers-Danlos syndrome, type 1; Ehlers-Danlos Syndrome, Classic Type, COL5A1-Related. Identifiers: MedGen C0268335, MONDO:0019567, OMIM 130000.

Allele frequency attached by ClinVar (database versions not stated): ExAC 0.00001; gnomAD 0.00001.
gnomAD v4.1: 9 of 1,613,322 alleles (0.00056%); highest among the groups gnomAD compares: African/African-American, 0.0013%; no homozygotes.

Submissions (2):

GeneDx
Classification: Uncertain significance. Last evaluated: 2025-05-22. Review status: criteria provided, single submitter. Criteria: GeneDx Variant Classification Process June 2021. Collection method: clinical testing. Allele origin: germline. Affected: yes.
Comment: Not observed at significant frequency in large population cohorts (gnomAD); In silico analysis supports that this missense variant has a deleterious effect on protein structure/function; Has not been previously published as pathogenic or benign to our knowledge; Occurs in the triple helical domain at the Y position in the canonical Gly-X-Y repeat; although this variant may have an effect on normal protein folding and function, missense substitution at the Y position is not a common mechanism of disease (PMID: 22696272; HGMD); This variant is associated with the following publications: (PMID: 22696272)

Labcorp Genetics (formerly Invitae), Labcorp
Classification: Likely benign for Ehlers-Danlos syndrome, classic type, 1. Last evaluated: 2023-12-09. Review status: criteria provided, single submitter. Criteria: Invitae Variant Classification Sherloc (09022015). Collection method: clinical testing. Allele origin: germline.